The following is an entry in ClinVar:

ClinVar aggregate classification (germline): Uncertain significance. Review status: criteria provided, multiple submitters, no conflicts (2 of 4 stars). 2 submissions from 2 submitters: Uncertain significance (2). Last evaluated 2025-01-30.

Allele frequency attached by ClinVar (database versions not stated): gnomAD exomes below 0.00001; TOPMed 0.00001.
gnomAD v4.1: 2 of 1,614,052 alleles (0.00012%); highest among the groups gnomAD compares: Admixed American, 0.0033%; no homozygotes.

Submissions (2):

GeneDx
Classification: Uncertain significance. Last evaluated: 2025-01-30. Review status: criteria provided, single submitter. Criteria: GeneDx Variant Classification Process June 2021. Collection method: clinical testing. Allele origin: germline. Affected: yes.
Comment: Not observed at significant frequency in large population cohorts (gnomAD); In silico analysis indicates that this missense variant does not alter protein structure/function; Has not been previously published as pathogenic or benign to our knowledge

Labcorp Genetics (formerly Invitae), Labcorp
Classification: Uncertain significance. Last evaluated: 2021-10-20. Review status: criteria provided, single submitter. Criteria: Invitae Variant Classification Sherloc (09022015). Collection method: clinical testing. Allele origin: germline.
Comment: This sequence change replaces alanine with threonine at codon 118 of the TWNK protein (p.Ala118Thr). The alanine residue is moderately conserved and there is a small physicochemical difference between alanine and threonine. In summary, the available evidence is currently insufficient to determine the role of this variant in disease. Therefore, it has been classified as a Variant of Uncertain Significance. Advanced modeling of protein sequence and biophysical properties (such as structural, functional, and spatial information, amino acid conservation, physicochemical variation, residue mobility, and thermodynamic stability) performed at Invitae indicates that this missense variant is not expected to disrupt TWNK protein function. This variant has not been reported in the literature in individuals affected with TWNK-related conditions. This variant is not present in population databases (ExAC no frequency).

NM_021830.5(TWNK):c.352G>A (p.Ala118Thr)

Gene: TWNK (twinkle mtDNA helicase; plus strand). Cytogenetic location: 10q24.31.
Variant type: single nucleotide variant.
Coding change: c.352G>A on transcript NM_021830.5 (MANE Select); coding-DNA position 352, G replaced by A.
Protein change: p.Ala118Thr; replaces alanine 118 with threonine.
Molecular consequence: missense variant. On other transcripts: non-coding transcript variant (4), intron variant (3).
Genome position (GRCh38, 1-based): chr10:100,988,562, G>A. VCF-style: chr10-100988562-G-A. GRCh37 (hg19) VCF-style: chr10-102748319-G-A.
Other names: c.352G>A, p.Ala118Thr (NM_001163812.2); c.-120+949G>A (NM_001163814.2, NM_001163813.2); c.-58+949G>A (NM_001368275.1); c.352G>A (NM_021830.4); short protein forms A118T.
Identifiers: ClinVar variation 1524352 (VCV001524352.7), dbSNP rs1408541671, ClinGen allele CA378207037.